The following is an entry in ClinVar:

NM_000271.5(NPC1):c.2619G>A (p.Val873=)

Gene: NPC1 (NPC intracellular cholesterol transporter 1; minus strand). Cytogenetic location: 18q11.2.
Variant type: single nucleotide variant.
Coding change: c.2619G>A on transcript NM_000271.5 (MANE Select); coding-DNA position 2619, G replaced by A.
Protein change: p.Val873=; no amino-acid change (valine 873 retained).
Molecular consequence: synonymous variant.
Genome position (GRCh38, 1-based): chr18:23,539,987, C>T on the plus strand (G>A on the coding strand, the complement: NPC1 is on the minus strand). VCF-style: chr18-23539987-C-T. GRCh37 (hg19) VCF-style: chr18-21119951-C-T.
Other names: c.2619G>A (NM_000271.4).
Identifiers: ClinVar variation 1469854 (VCV001469854.27), dbSNP rs2058689890, ClinGen allele CA503322685.

ClinVar aggregate classification (germline): Likely benign. Review status: criteria provided, multiple submitters, no conflicts (2 of 4 stars). 4 submissions from 4 submitters: Likely benign (3). 1 of the submissions does not count toward it. Last evaluated 2024-12-28.

Conditions:
Niemann-Pick disease, type C1. Also called: NIEMANN-PICK DISEASE, VARIANT TYPE C1; NEUROVISCERAL STORAGE DISEASE WITH VERTICAL SUPRANUCLEAR OPHTHALMOPLEGIA; NIEMANN-PICK DISEASE WITH CHOLESTEROL ESTERIFICATION BLOCK; NIEMANN-PICK DISEASE WITHOUT SPHINGOMYELINASE DEFICIENCY; NIEMANN-PICK DISEASE, CHRONIC NEURONOPATHIC FORM. Identifiers: Orphanet 646, MedGen C3179455, MONDO:0009757, OMIM 257220.
Inborn genetic diseases. Identifiers: MedGen C0950123, MeSH D030342.

Allele frequency attached by ClinVar (database versions not stated): gnomAD exomes below 0.00001; gnomAD 0.00001.
gnomAD v4.1: 2 of 1,613,904 alleles (0.00012%); highest among the groups gnomAD compares: Non-Finnish European, 0.00017%; no homozygotes.

Submissions (4):

Ambry Genetics
Classification: Likely benign for Inborn genetic diseases. Last evaluated: 2024-12-28. Review status: criteria provided, single submitter. Criteria: Ambry Variant Classification Scheme 2023. Collection method: clinical testing. Allele origin: germline.

CeGaT Center for Human Genetics Tuebingen
Classification: Likely benign. Last evaluated: 2024-07-01. Review status: criteria provided, single submitter. Criteria: CeGaT Center For Human Genetics Tuebingen Variant Classification Criteria Version 2. Collection method: clinical testing. Allele origin: germline. Affected: yes. Observed: 1 variant allele.
Comment: NPC1: BP4, BP7

Labcorp Genetics (formerly Invitae), Labcorp
Classification: Likely benign for Niemann-Pick disease, type C1. Last evaluated: 2022-12-20. Review status: criteria provided, single submitter. Criteria: Invitae Variant Classification Sherloc (09022015). Collection method: clinical testing. Allele origin: germline.

Natera, Inc.
Classification: Uncertain significance for Niemann-Pick disease type C1. Last evaluated: 2025-04-10. Review status: no assertion criteria provided. Collection method: clinical testing. Allele origin: germline. Not counted in ClinVar's aggregate classification.